The following is an entry in ClinVar:

NM_000322.5(PRPH2):c.592A>C (p.Ser198Arg)

Gene: PRPH2 (peripherin 2; minus strand). Cytogenetic location: 6p21.1.
Variant type: single nucleotide variant.
Coding change: c.592A>C on transcript NM_000322.5 (MANE Select); coding-DNA position 592, A replaced by C.
Protein change: p.Ser198Arg; replaces serine 198 with arginine.
Molecular consequence: missense variant.
Genome position (GRCh38, 1-based): chr6:42,704,601, T>G on the plus strand (A>C on the coding strand, the complement: PRPH2 is on the minus strand). VCF-style: chr6-42704601-T-G. GRCh37 (hg19) VCF-style: chr6-42672339-T-G.
Other names: short protein forms S198R.
Identifiers: ClinVar variation 1175292 (VCV001175292.1), dbSNP rs2152005405, ClinGen allele CA364135837.

ClinVar aggregate classification (germline): Pathogenic (0 of 4 stars; one submission).

Submission:

Leiden Open Variation Database
Classification: Pathogenic. Last evaluated: 2021-02-11. Review status: no assertion criteria provided. Collection method: curation. Allele origin: germline. Affected: yes.
Comment: Curator: Global Variome, with Curator vacancy. Submitter to LOVD: LOVD.

Literature cited by the submitters: PubMed 29769798.